The following is an entry in ClinVar:

NM_001352514.2(HLCS):c.1496T>A (p.Leu499Ter)

Gene: HLCS (holocarboxylase synthetase; minus strand). Cytogenetic location: 21q22.13.
Variant type: single nucleotide variant.
Coding change: c.1496T>A on transcript NM_001352514.2 (MANE Select); coding-DNA position 1496, T replaced by A.
Protein change: p.Leu499Ter; replaces leucine 499 with a stop codon.
Molecular consequence: nonsense. On other transcripts: non-coding transcript variant (2).
Genome position (GRCh38, 1-based): chr21:36,930,375, A>T on the plus strand (T>A on the coding strand, the complement: HLCS is on the minus strand). VCF-style: chr21-36930375-A-T. GRCh37 (hg19) VCF-style: chr21-38302675-A-T.
Other names: c.1055T>A, p.Leu352Ter (NM_000411.8, NM_001242784.3, NM_001242785.2 and 4 more transcripts); short protein forms L352*, L499*.
Identifiers: ClinVar variation 648263 (VCV000648263.7), dbSNP rs1601779091, ClinGen allele CA409911478.
Genomic context (GRCh38, chr21:36,930,375, plus strand): 5'-CCAAGGGTTGTCAGAATCTCTCTAAGGACTTCGTATCTTCTAAAATTGCTTGACTTGAGC[A>T]AGTTAAAATCTTCTGGAGTTTGCACTATGTTGGAGCTGGGAGGTAGTTCTAAGTGCACCT-3'

ClinVar aggregate classification (germline): Pathogenic. Review status: criteria provided, multiple submitters, no conflicts (2 of 4 stars). 2 submissions from 2 submitters: Pathogenic (2). Last evaluated 2024-05-08.

Conditions:
Holocarboxylase synthetase deficiency. Also called: MULTIPLE CARBOXYLASE DEFICIENCY, EARLY ONSET. Identifiers: Orphanet 79242, MedGen C0268581, MONDO:0009666, OMIM 253270.

Submissions (2):

Myriad Genetics, Inc.
Classification: Pathogenic for Holocarboxylase synthetase deficiency. Last evaluated: 2024-05-08. Review status: criteria provided, single submitter. Criteria: Myriad Autosomal Dominant, Autosomal Recessive and X-Linked Classification Criteria (2023). Collection method: clinical testing. Allele origin: unknown.
Comment: NM_000411.6(HLCS):c.1055T>A(L352*) is expected to be pathogenic in the context of holocarboxylase synthetase deficiency. This variant is predicted to lead to an abnormal or absent protein product due to the creation of a premature termination codon in HLCS, a gene where loss-of-function variants are known to be pathogenic. Please note: this variant was assessed in the context of healthy population screening.

Labcorp Genetics (formerly Invitae), Labcorp
Classification: Pathogenic for Holocarboxylase synthetase deficiency. Last evaluated: 2020-06-29. Review status: criteria provided, single submitter. Criteria: Invitae Variant Classification Sherloc (09022015). Collection method: clinical testing. Allele origin: germline.
Comment: For these reasons, this variant has been classified as Pathogenic. Loss-of-function variants in HLCS are known to be pathogenic (PMID: 16134170). This variant has not been reported in the literature in individuals with HLCS-related disease. This variant is not present in population databases (ExAC no frequency). This sequence change creates a premature translational stop signal (p.Leu352*) in the HLCS gene. It is expected to result in an absent or disrupted protein product.

Literature cited by the submitters: PubMed 16134170 (cited by Labcorp Genetics (formerly Invitae), Labcorp).